The following is an entry in ClinVar:

NM_000188.3(HK1):c.1725T>G (p.Phe575Leu)

Gene: HK1 (hexokinase 1; plus strand). Cytogenetic location: 10q22.1.
Variant type: single nucleotide variant.
Coding change: c.1725T>G on transcript NM_000188.3 (MANE Select); coding-DNA position 1725, T replaced by G.
Protein change: p.Phe575Leu; replaces phenylalanine 575 with leucine.
Molecular consequence: missense variant.
Genome position (GRCh38, 1-based): chr10:69,384,801, T>G. VCF-style: chr10-69384801-T-G. GRCh37 (hg19) VCF-style: chr10-71144557-T-G.
Other names: c.1737T>G, p.Phe579Leu (NM_001358263.1, NM_033497.3, NM_033498.3 and 1 more transcripts); c.1722T>G, p.Phe574Leu (NM_033496.3); c.1689T>G, p.Phe563Leu (NM_033500.2); c.1830T>G, p.Phe610Leu (NM_001322365.2); c.1641T>G, p.Phe547Leu (NM_001322366.1); c.1629T>G, p.Phe543Leu (NM_001322367.1); short protein forms F563L, F579L, F610L, F543L, F574L, F547L, F575L.
Identifiers: ClinVar variation 1388160 (VCV001388160.6), dbSNP rs2132897195, ClinGen allele CA376911844.

ClinVar aggregate classification (germline): Uncertain significance (1 of 4 stars; one submission).

Submission:

Labcorp Genetics (formerly Invitae), Labcorp
Classification: Uncertain significance. Last evaluated: 2022-09-06. Review status: criteria provided, single submitter. Criteria: Invitae Variant Classification Sherloc (09022015). Collection method: clinical testing. Allele origin: germline.
Comment: This sequence change replaces phenylalanine, which is neutral and non-polar, with leucine, which is neutral and non-polar, at codon 575 of the HK1 protein (p.Phe575Leu). This variant is not present in population databases (gnomAD no frequency). This variant has not been reported in the literature in individuals affected with HK1-related conditions. ClinVar contains an entry for this variant (Variation ID: 1388160). Algorithms developed to predict the effect of missense changes on protein structure and function are either unavailable or do not agree on the potential impact of this missense change (SIFT: "Deleterious"; PolyPhen-2: "Probably Damaging"; Align-GVGD: "Class C0"). In summary, the available evidence is currently insufficient to determine the role of this variant in disease. Therefore, it has been classified as a Variant of Uncertain Significance.